The following is an entry in ClinVar:

ClinVar aggregate classification (germline): Uncertain significance (1 of 4 stars; one submission).

Conditions:
Familial infantile myasthenia (CMS6). Also called: MYASTHENIC SYNDROME, PRESYNAPTIC, CONGENITAL, ASSOCIATED WITH EPISODIC APNEA; MYASTHENIC SYNDROME, CONGENITAL, 6, PRESYNAPTIC; Congenital myasthenic syndrome type 6. Identifiers: Orphanet 590, MedGen C0393929, MONDO:0009689, OMIM 254210.

Submission:

Labcorp Genetics (formerly Invitae), Labcorp
Classification: Uncertain significance for Familial infantile myasthenia. Last evaluated: 2022-02-03. Review status: criteria provided, single submitter. Criteria: Invitae Variant Classification Sherloc (09022015). Collection method: clinical testing. Allele origin: germline.
Comment: In summary, the available evidence is currently insufficient to determine the role of this variant in disease. Therefore, it has been classified as a Variant of Uncertain Significance. This sequence change replaces proline, which is neutral and non-polar, with histidine, which is basic and polar, at codon 727 of the CHAT protein (p.Pro727His). This variant is not present in population databases (gnomAD no frequency). This variant has not been reported in the literature in individuals affected with CHAT-related conditions. ClinVar contains an entry for this variant (Variation ID: 461455). Advanced modeling of protein sequence and biophysical properties (such as structural, functional, and spatial information, amino acid conservation, physicochemical variation, residue mobility, and thermodynamic stability) performed at Invitae indicates that this missense variant is not expected to disrupt CHAT protein function.

NM_020549.5(CHAT):c.2180C>A (p.Pro727His)

Gene: CHAT (choline O-acetyltransferase; plus strand). Cytogenetic location: 10q11.23.
Variant type: single nucleotide variant.
Coding change: c.2180C>A on transcript NM_020549.5 (MANE Select); coding-DNA position 2180, C replaced by A.
Protein change: p.Pro727His; replaces proline 727 with histidine.
Molecular consequence: missense variant.
Genome position (GRCh38, 1-based): chr10:49,664,979, C>A. VCF-style: chr10-49664979-C-A. GRCh37 (hg19) VCF-style: chr10-50873025-C-A.
Other names: c.1826C>A, p.Pro609His (NM_001142929.2, NM_001142934.2, NM_020984.4 and 2 more transcripts); c.1934C>A, p.Pro645His (NM_001142933.2); short protein forms P609H, P727H, P645H.
Identifiers: ClinVar variation 461455 (VCV000461455.8), dbSNP rs1554809701, ClinGen allele CA376714681.